The following is an entry in ClinVar:

ClinVar aggregate classification (germline): Benign/Likely benign. Review status: criteria provided, multiple submitters, no conflicts (2 of 4 stars). 2 submissions from 2 submitters: Benign (1); Likely benign (1). Last evaluated 2018-01-12.

Conditions:
Maturity-onset diabetes of the young (MODY). Also called: Maturity onset diabetes mellitus in young. Identifiers: Orphanet 552, MedGen C0342276, MONDO:0018911, HP:0004904.
Renal cysts and diabetes syndrome (RCAD). Also called: Familial hypoplastic, glomerulocystic kidney; MATURITY-ONSET DIABETES OF THE YOUNG, TYPE 5. Identifiers: Orphanet 93111, MedGen C0431693, MONDO:0007669, OMIM 137920.

Allele frequency attached by ClinVar (database versions not stated): gnomAD 0.01242 and 0.01316; TOPMed 0.01374; 1000 Genomes Project 30x 0.01593; 1000 Genomes Project 0.01657.

Submissions (2):

Illumina Laboratory Services, Illumina
Classification: Benign for Renal cysts and diabetes syndrome. Last evaluated: 2018-01-12. Review status: criteria provided, single submitter. Criteria: ICSL Variant Classification Criteria 13 December 2019. Collection method: clinical testing. Allele origin: germline.
Comment: This variant was observed in the ICSL laboratory as part of a predisposition screen in an ostensibly healthy population. It had not been previously curated by ICSL or reported in the Human Gene Mutation Database (HGMD: prior to June 1st, 2018), and was therefore a candidate for classification through an automated scoring system. Utilizing variant allele frequency, disease prevalence and penetrance estimates, and inheritance mode, an automated score was calculated to assess if this variant is too frequent to cause the disease. Based on the score and internal cut-off values, a variant classified as benign is not then subjected to further curation. The score for this variant resulted in a classification of benign for this disease.

Clinical Genomics, Uppaluri K&H Personalized Medicine Clinic
Classification: Likely benign for Maturity-onset diabetes of the young. Review status: criteria provided, single submitter. Criteria: K & H Uppaluri Personalized Medicine Clinic Variant Classification & Assertion Criteria_Updated V.1. Collection method: research. Allele origin: unknown. Inheritance: Autosomal dominant inheritance.
Comment: HNF1B gene mutations are associated with early onset diabetes and pancreatic atrophy. It is also associated with multiple renal manifestations including renal cysts, Tubulointerstitial disease, glomerulocystic disease, renal hypoplasia, hypomagnesemia. However no sufficient evidence is found to ascertain the role of this particular variant rs75361710, yet.

Literature cited by the submitters: PubMed 24897035 (cited by Clinical Genomics, Uppaluri K&H Personalized Medicine Clinic); PubMed 25536396 (cited by Clinical Genomics, Uppaluri K&H Personalized Medicine Clinic); PubMed 27615128 (cited by Clinical Genomics, Uppaluri K&H Personalized Medicine Clinic); PubMed 28215227 (cited by Clinical Genomics, Uppaluri K&H Personalized Medicine Clinic); PubMed 33434175 (cited by Clinical Genomics, Uppaluri K&H Personalized Medicine Clinic); PubMed 25741167 (cited by Clinical Genomics, Uppaluri K&H Personalized Medicine Clinic); PubMed 26340261 (cited by Clinical Genomics, Uppaluri K&H Personalized Medicine Clinic); PubMed 19639018 (cited by Clinical Genomics, Uppaluri K&H Personalized Medicine Clinic).

NM_000458.4(HNF1B):c.*804T>C

Gene: HNF1B (HNF1 homeobox B; minus strand). Cytogenetic location: 17q12.
Variant type: single nucleotide variant.
Coding change: c.*804T>C on transcript NM_000458.4 (MANE Select); 804 bases downstream of the stop codon, T replaced by C.
Molecular consequence: 3 prime UTR variant.
Genome position (GRCh38, 1-based): chr17:37,686,568, A>G on the plus strand (T>C on the coding strand, the complement: HNF1B is on the minus strand). VCF-style: chr17-37686568-A-G. GRCh37 (hg19) VCF-style: chr17-36046571-A-G.
Other names: c.*804T>C (NM_001165923.4); c.*712T>C (NM_001304286.2).
Identifiers: ClinVar variation 322928 (VCV000322928.6), dbSNP rs75361710, ClinGen allele CA10645503.
Genomic context (GRCh38, chr17:37,686,568, plus strand): 5'-CCCTGCCCTGGGGTTTCTTAGGGAGTGCACGGCTGAGCTCCTGGCCCACAGGAAGCTGGC[A>G]TGTTACTCTGACACACTACATTCAGCCCCTCCAGGGATCCAGAGGTGTGTCTTAATGTCA-3'